The following is an entry in ClinVar:

ClinVar aggregate classification (germline): Pathogenic (1 of 4 stars; one submission).

Submission:

Labcorp Genetics (formerly Invitae), Labcorp
Classification: Pathogenic. Last evaluated: 2025-06-08. Review status: criteria provided, single submitter. Criteria: Invitae Variant Classification Sherloc (09022015). Collection method: clinical testing. Allele origin: germline.
Comment: This sequence change creates a premature translational stop signal (p.Glu369*) in the EIF2AK3 gene. It is expected to result in an absent or disrupted protein product. Loss-of-function variants in EIF2AK3 are known to be pathogenic (PMID: 11997520). This variant is not present in population databases (gnomAD no frequency). This variant has not been reported in the literature in individuals affected with EIF2AK3-related conditions. For these reasons, this variant has been classified as Pathogenic.

Literature cited by the submitters: PubMed 11997520.

NM_004836.7(EIF2AK3):c.1105G>T (p.Glu369Ter)

Gene: EIF2AK3 (eukaryotic translation initiation factor 2 alpha kinase 3; minus strand). Cytogenetic location: 2p11.2.
Variant type: single nucleotide variant.
Coding change: c.1105G>T on transcript NM_004836.7 (MANE Select); coding-DNA position 1105, G replaced by T.
Protein change: p.Glu369Ter; replaces glutamic acid 369 with a stop codon.
Molecular consequence: nonsense.
Genome position (GRCh38, 1-based): chr2:88,590,503, C>A on the plus strand (G>T on the coding strand, the complement: EIF2AK3 is on the minus strand). VCF-style: chr2-88590503-C-A. GRCh37 (hg19) VCF-style: chr2-88890021-C-A.
Other names: c.652G>T, p.Glu218Ter (NM_001313915.2); short protein forms E218*, E369*.
Identifiers: ClinVar variation 4720979 (VCV004720979.1).